The following is an entry in ClinVar:

ClinVar aggregate classification (germline): Pathogenic (1 of 4 stars; one submission).

Conditions:
Interstitial lung disease due to ABCA3 deficiency. Also called: PULMONARY ALVEOLAR PROTEINOSIS, CONGENITAL, 3. Identifiers: Orphanet 440402, MedGen C1970456, MONDO:0012582, OMIM 610921.

Submission:

Myriad Genetics, Inc.
Classification: Pathogenic for Interstitial lung disease due to ABCA3 deficiency. Last evaluated: 2025-08-02. Review status: criteria provided, single submitter. Criteria: Myriad Autosomal Dominant, Autosomal Recessive and X-Linked Classification Criteria (2023). Collection method: clinical testing. Allele origin: unknown.
Comment: NM_001089.2(ABCA3):c.337G>T(E113*) is expected to be pathogenic in the context of surfactant deficiency, ABCA3-related. This variant is predicted to lead to an abnormal or absent protein product due to the creation of a premature termination codon in ABCA3, a gene where loss-of-function variants are known to be pathogenic. Please note: this variant was assessed in the context of healthy population screening.

NM_001089.3(ABCA3):c.337G>T (p.Glu113Ter)

Gene: ABCA3 (ATP binding cassette subfamily A member 3; minus strand). Cytogenetic location: 16p13.3.
Variant type: single nucleotide variant.
Coding change: c.337G>T on transcript NM_001089.3 (MANE Select); coding-DNA position 337, G replaced by T.
Protein change: p.Glu113Ter; replaces glutamic acid 113 with a stop codon.
Molecular consequence: nonsense.
Genome position (GRCh38, 1-based): chr16:2,324,514, C>A on the plus strand (G>T on the coding strand, the complement: ABCA3 is on the minus strand). VCF-style: chr16-2324514-C-A. GRCh37 (hg19) VCF-style: chr16-2374515-C-A.
Other names: short protein forms E113*.
Identifiers: ClinVar variation 5014805 (VCV005014805.1).